The following is an entry in ClinVar:

NM_000719.7(CACNA1C):c.5444+610G>A

Genes: CACNA1C (calcium voltage-gated channel subunit alpha1 C; plus strand), CACNA1C-AS1 (CACNA1C antisense RNA 1; minus strand). Cytogenetic location: 12p13.33.
Variant type: single nucleotide variant.
Coding change: c.5444+610G>A on transcript NM_000719.7 (MANE Select); 610 bases into the intron after coding-DNA position 5444, G replaced by A.
Molecular consequence: intron variant. On other transcripts: missense variant (1).
Genome position (GRCh38, 1-based): chr12:2,680,406, G>A. VCF-style: chr12-2680406-G-A. GRCh37 (hg19) VCF-style: chr12-2789572-G-A.
Other names: c.5455G>A, p.Ala1819Thr (NM_001167625.2); c.5444+610G>A (NM_001167624.3, NM_001167623.2, NM_001129840.2 and 4 more transcripts); c.5588+610G>A (NM_199460.4, NM_001129827.2); c.5504+610G>A (NM_001129832.2); c.5528+610G>A (NM_001129831.2); c.5501+610G>A (NM_001129833.2, NM_001129834.2, NM_001129835.2); c.5567+610G>A (NM_001129829.2); c.5468+610G>A (NM_001129837.2, NM_001129838.2); and 5 more; short protein forms A1819T.
Identifiers: ClinVar variation 382166 (VCV000382166.4), dbSNP rs371574216, ClinGen allele CA6389793.

ClinVar aggregate classification (germline): Likely benign. Review status: criteria provided, multiple submitters, no conflicts (2 of 4 stars). 3 submissions from 3 submitters: Likely benign (2). 1 of the submissions does not count toward it. Last evaluated 2024-09-12.

Conditions:
CACNA1C-related disorder. Also called: CACNA1C-related disorders; CACNA1C-related condition. Identifiers: MedGen CN381092, MONDO:0700321.

Allele frequency attached by ClinVar (database versions not stated): gnomAD 0.00012 and 0.00011; ESP Exome Variant Server 0.00029; TOPMed 0.00013; gnomAD exomes 0.00029; ExAC 0.00062.
gnomAD v4.1: 175 of 1,560,646 alleles (0.011%); highest among the groups gnomAD compares: African/African-American, 0.0081%; no homozygotes.

Submissions (3):

Blueprint Genetics
Classification: Likely benign. Last evaluated: 2024-09-12. Review status: criteria provided, single submitter. Criteria: ACMG Guidelines, 2015. Collection method: clinical testing. Allele origin: germline.

GeneDx
Classification: Likely benign. Last evaluated: 2017-08-16. Review status: criteria provided, single submitter. Criteria: GeneDx Variant Classification (06012015). Collection method: clinical testing. Allele origin: germline. Affected: yes.
Comment: This variant is considered likely benign or benign based on one or more of the following criteria: it is a conservative change, it occurs at a poorly conserved position in the protein, it is predicted to be benign by multiple in silico algorithms, and/or has population frequency not consistent with disease.

PreventionGenetics, part of Exact Sciences
Classification: Likely benign for CACNA1C-related condition. Last evaluated: 2023-12-11. Review status: no assertion criteria provided. Collection method: clinical testing. Allele origin: germline. Not counted in ClinVar's aggregate classification.
Comment: This variant is classified as likely benign based on ACMG/AMP sequence variant interpretation guidelines (Richards et al. 2015 PMID: 25741868, with internal and published modifications).